The following is an entry in ClinVar:

ClinVar aggregate classification (germline): Conflicting classifications of pathogenicity. Review status: criteria provided, conflicting classifications (1 of 4 stars). 4 submissions from 4 submitters: Likely pathogenic (1); Uncertain significance (2). 1 of the submissions does not count toward it. Last evaluated 2026-01-28.

Conditions:
Nemaline myopathy. Also called: Myopathies, Nemaline. Identifiers: Orphanet 607, MedGen C0206157, MONDO:0018958.
Nemaline myopathy 2 (NEM2). Also called: Nemaline myopathy 2, autosomal recessive. Identifiers: MedGen C1850569, MONDO:0009725, OMIM 256030.

Allele frequency attached by ClinVar (database versions not stated): 1000 Genomes Project below 0.00001; ExAC 0.00001; gnomAD 0.00001; gnomAD exomes 0.00001 and 0.00002; TOPMed 0.00003; ESP Exome Variant Server 0.00008.
gnomAD v4.1: 35 of 1,613,838 alleles (0.0022%); highest among the groups gnomAD compares: Non-Finnish European, 0.0027%; 1 homozygote.

Submissions (4):

GeneDx
Classification: Uncertain significance. Last evaluated: 2026-01-28. Review status: criteria provided, single submitter. Criteria: GeneDx Variant Classification Process June 2021. Collection method: clinical testing. Allele origin: germline.
Comment: Not observed at significant frequency in large population cohorts (gnomAD); In silico analysis suggests that this missense variant does not alter protein structure/function; Has not been previously published as pathogenic or benign to our knowledge

Broad Center for Mendelian Genomics, Broad Institute of MIT and Harvard
Classification: Uncertain significance for Nemaline myopathy. Last evaluated: 2025-03-17. Review status: criteria provided, single submitter. Criteria: ACMG Guidelines, 2015. Collection method: curation. Allele origin: germline. Inheritance: Autosomal recessive inheritance.
Comment: The p.Glu2674Lys variant in NEB has not been previously reported in the literature in individuals with nemaline myopathy, but has been identified in 0.003% (32/1179832) of European (non-Finnish) chromosomes by the Genome Aggregation Database (gnomAD; dbSNP ID: rs369224273). Although this variant has been seen in the general population in a heterozygous state, its frequency is low enough to be consistent with a recessive carrier frequency. This variant has also been reported in ClinVar (Variation ID: 570495) and has been interpreted as likely pathogenic by Invitae and as a variant of uncertain significance by Natera Inc. Computational prediction tools, including splice predictors, and conservation analyses suggest that this variant may not impact the protein, though this information is not predictive enough to rule out pathogenicity. In summary, the clinical significance of the p.Glu2674Lys variant is uncertain. ACMG/AMP Criteria applied: BP4, PM2_supporting (Richards 2015).

Labcorp Genetics (formerly Invitae), Labcorp
Classification: Likely pathogenic for Nemaline myopathy 2. Last evaluated: 2023-12-15. Review status: criteria provided, single submitter. Criteria: Invitae Variant Classification Sherloc (09022015). Collection method: clinical testing. Allele origin: germline.
Comment: This sequence change replaces glutamic acid, which is acidic and polar, with lysine, which is basic and polar, at codon 2674 of the NEB protein (p.Glu2674Lys). This variant is present in population databases (rs369224273, gnomAD 0.003%). This missense change has been observed in individual(s) with clinical features of autosomal recessive nemaline myopathy 2 (Invitae). In at least one individual the data is consistent with being in trans (on the opposite chromosome) from a pathogenic variant. It has also been observed to segregate with disease in related individuals. ClinVar contains an entry for this variant (Variation ID: 570495). Experimental studies and prediction algorithms are not available or were not evaluated, and the functional significance of this variant is currently unknown. In summary, the currently available evidence indicates that the variant is pathogenic, but additional data are needed to prove that conclusively. Therefore, this variant has been classified as Likely Pathogenic.

Natera, Inc.
Classification: Uncertain significance for Nemaline myopathy type 2. Last evaluated: 2019-11-11. Review status: no assertion criteria provided. Collection method: clinical testing. Allele origin: germline. Not counted in ClinVar's aggregate classification.

NM_001164508.2(NEB):c.8020G>A (p.Glu2674Lys)

Gene: NEB (nebulin; minus strand). Cytogenetic location: 2q23.3.
Variant type: single nucleotide variant.
Coding change: c.8020G>A on transcript NM_001164508.2 (MANE Select); coding-DNA position 8020, G replaced by A.
Protein change: p.Glu2674Lys; replaces glutamic acid 2674 with lysine.
Molecular consequence: missense variant.
Genome position (GRCh38, 1-based): chr2:151,643,290, C>T on the plus strand (G>A on the coding strand, the complement: NEB is on the minus strand). VCF-style: chr2-151643290-C-T. GRCh37 (hg19) VCF-style: chr2-152499804-C-T.
Other names: NM_001164508.2(NEB):c.8020G>A; p.Glu2674Lys; c.8020G>A, p.Glu2674Lys (NM_001164507.2, NM_001271208.2, NM_004543.5); short protein forms E2674K.
Identifiers: ClinVar variation 570495 (VCV000570495.13), dbSNP rs369224273, ClinGen allele CA1909698.